The following is an entry in ClinVar:

NC_000007.13:g.(?_105172753)_(105207768_?)dup

Genes: EFCAB10 (EF-hand calcium binding domain 10; minus strand), RINT1 (RAD50 interactor 1; plus strand). Cytogenetic location: 7q22.3.
Variant type: Duplication.
Identifiers: ClinVar variation 644268 (VCV000644268.1).

ClinVar aggregate classification (germline): Uncertain significance (1 of 4 stars; one submission).

Submission:

Labcorp Genetics (formerly Invitae), Labcorp
Classification: Uncertain significance. Last evaluated: 2018-09-06. Review status: criteria provided, single submitter. Criteria: Invitae Variant Classification Sherloc (09022015). Collection method: clinical testing. Allele origin: germline.
Comment: This variant results in a copy number gain of the genomic region encompassing the full coding sequence of the RINT1 gene. The boundaries of this event are unknown as they extend beyond the assayed region for this gene and therefore may encompass additional genes. As the precise location of this event is unknown, it may be in tandem or it may be located elsewhere in the genome. This variant has not been reported in the literature in individuals with RINT1-related disease. In summary, the available evidence is currently insufficient to determine the role of this variant in disease. Therefore, it has been classified as a Variant of Uncertain Significance.